The following is an entry in ClinVar:

ClinVar aggregate classification (germline): Likely benign (0 of 4 stars; one submission).

Conditions:
DISP3-related disorder. Also called: DISP3-related condition.

Allele frequency attached by ClinVar (database versions not stated): ESP Exome Variant Server 0.00164; TOPMed 0.00184; 1000 Genomes Project 30x 0.00219; 1000 Genomes Project 0.00220.
gnomAD v4.1: 509 of 1,603,588 alleles (0.032%); highest among the groups gnomAD compares: African/African-American, 0.56%; 1 homozygote.

Submission:

PreventionGenetics, part of Exact Sciences
Classification: Likely benign for DISP3-related condition. Last evaluated: 2019-05-21. Review status: no assertion criteria provided. Collection method: clinical testing. Allele origin: germline.
Comment: This variant is classified as likely benign based on ACMG/AMP sequence variant interpretation guidelines (Richards et al. 2015 PMID: 25741868, with internal and published modifications).

NM_020780.2(DISP3):c.3531C>T (p.Ile1177=)

Gene: DISP3 (dispatched RND transporter family member 3; plus strand). Cytogenetic location: 1p36.22.
Variant type: single nucleotide variant.
Coding change: c.3531C>T on transcript NM_020780.2 (MANE Select); coding-DNA position 3531, C replaced by T.
Protein change: p.Ile1177=; no amino-acid change (isoleucine 1177 retained).
Molecular consequence: synonymous variant.
Genome position (GRCh38, 1-based): chr1:11,534,536, C>T. VCF-style: chr1-11534536-C-T. GRCh37 (hg19) VCF-style: chr1-11594593-C-T.
Identifiers: ClinVar variation 3039138 (VCV003039138.2), dbSNP rs140072373, ClinGen allele CA592415.